The following is an entry in ClinVar:

NM_177438.3(DICER1):c.5212G>T (p.Ala1738Ser)

Gene: DICER1 (dicer 1, ribonuclease III; minus strand). Cytogenetic location: 14q32.13.
Variant type: single nucleotide variant.
Coding change: c.5212G>T on transcript NM_177438.3 (MANE Select); coding-DNA position 5212, G replaced by T.
Protein change: p.Ala1738Ser; replaces alanine 1738 with serine.
Molecular consequence: missense variant.
Genome position (GRCh38, 1-based): chr14:95,094,040, C>A on the plus strand (G>T on the coding strand, the complement: DICER1 is on the minus strand). VCF-style: chr14-95094040-C-A. GRCh37 (hg19) VCF-style: chr14-95560377-C-A.
Other names: c.5212G>T, p.Ala1738Ser (NM_001195573.1, NM_001271282.3, NM_001291628.2 and 1 more transcripts); short protein forms A1738S.
Identifiers: ClinVar variation 650302 (VCV000650302.10), dbSNP rs1595330505, ClinGen allele CA390865203.

ClinVar aggregate classification (germline): Uncertain significance (1 of 4 stars; one submission).

Conditions:
DICER1-related tumor predisposition. Also called: DICER1-related pleuropulmonary blastoma cancer predisposition syndrome; DICER1 syndrome. Identifiers: Orphanet 284343, MedGen C3839822, MONDO:0100216.

Allele frequency attached by ClinVar (database versions not stated): gnomAD exomes below 0.00001.
gnomAD v4.1: 1 of 1,614,094 alleles (0.000062%); highest among the groups gnomAD compares: Non-Finnish European, 0.000085%; no homozygotes.

Submission:

Labcorp Genetics (formerly Invitae), Labcorp
Classification: Uncertain significance for DICER1-related tumor predisposition. Last evaluated: 2018-09-24. Review status: criteria provided, single submitter. Criteria: Invitae Variant Classification Sherloc (09022015). Collection method: clinical testing. Allele origin: germline.
Comment: This sequence change replaces alanine with serine at codon 1738 of the DICER1 protein (p.Ala1738Ser). The alanine residue is highly conserved and there is a moderate physicochemical difference between alanine and serine. In summary, the available evidence is currently insufficient to determine the role of this variant in disease. Therefore, it has been classified as a Variant of Uncertain Significance. Algorithms developed to predict the effect of missense changes on protein structure and function (SIFT, PolyPhen-2, Align-GVGD) all suggest that this variant is likely to be disruptive, but these predictions have not been confirmed by published functional studies and their clinical significance is uncertain. This variant has not been reported in the literature in individuals with DICER1-related disease. This variant is not present in population databases (ExAC no frequency).